The following is an entry in ClinVar:

NM_024580.6(EFL1):c.1607G>A (p.Arg536Gln)

Gene: EFL1 (elongation factor like GTPase 1; minus strand). Cytogenetic location: 15q25.2.
Variant type: single nucleotide variant.
Coding change: c.1607G>A on transcript NM_024580.6 (MANE Select); coding-DNA position 1607, G replaced by A.
Protein change: p.Arg536Gln; replaces arginine 536 with glutamine.
Molecular consequence: missense variant. On other transcripts: non-coding transcript variant (1).
Genome position (GRCh38, 1-based): chr15:82,219,656, C>T on the plus strand (G>A on the coding strand, the complement: EFL1 is on the minus strand). VCF-style: chr15-82219656-C-T. GRCh37 (hg19) VCF-style: chr15-82511997-C-T.
Other names: c.1454G>A, p.Arg485Gln (NM_001040610.3); c.818G>A, p.Arg273Gln (NM_001322844.2); c.1607G>A, p.Arg536Gln (NM_001322845.2); short protein forms R536Q, R273Q, R485Q.
Identifiers: ClinVar variation 1471465 (VCV001471465.5), dbSNP rs372161887, ClinGen allele CA7697944.

ClinVar aggregate classification (germline): Uncertain significance (1 of 4 stars; one submission).

Allele frequency attached by ClinVar (database versions not stated): gnomAD 0.00001 and 0.00003; TOPMed 0.00003; gnomAD exomes 0.00005 and 0.00009; ESP Exome Variant Server 0.00009; ExAC 0.00010; 1000 Genomes Project 0.00020; 1000 Genomes Project 30x 0.00031.
gnomAD v4.1: 83 of 1,603,124 alleles (0.0052%); highest among the groups gnomAD compares: South Asian, 0.067%; no homozygotes.

Submission:

Labcorp Genetics (formerly Invitae), Labcorp
Classification: Uncertain significance. Last evaluated: 2022-07-20. Review status: criteria provided, single submitter. Criteria: Invitae Variant Classification Sherloc (09022015). Collection method: clinical testing. Allele origin: germline.
Comment: This sequence change replaces arginine, which is basic and polar, with glutamine, which is neutral and polar, at codon 536 of the EFL1 protein (p.Arg536Gln). This variant is present in population databases (rs372161887, gnomAD 0.06%). This variant has not been reported in the literature in individuals affected with EFL1-related conditions. ClinVar contains an entry for this variant (Variation ID: 1471465). Algorithms developed to predict the effect of missense changes on protein structure and function output the following: SIFT: "Tolerated"; PolyPhen-2: "Benign"; Align-GVGD: "Class C0". The glutamine amino acid residue is found in multiple mammalian species, which suggests that this missense change does not adversely affect protein function. In summary, the available evidence is currently insufficient to determine the role of this variant in disease. Therefore, it has been classified as a Variant of Uncertain Significance.